The following is an entry in ClinVar:

NM_139318.5(KCNH5):c.581A>G (p.Gln194Arg)

Gene: KCNH5 (potassium voltage-gated channel subfamily H member 5; minus strand). Cytogenetic location: 14q23.2.
Variant type: single nucleotide variant.
Coding change: c.581A>G on transcript NM_139318.5 (MANE Select); coding-DNA position 581, A replaced by G.
Protein change: p.Gln194Arg; replaces glutamine 194 with arginine.
Molecular consequence: missense variant.
Genome position (GRCh38, 1-based): chr14:62,981,233, T>C on the plus strand (A>G on the coding strand, the complement: KCNH5 is on the minus strand). VCF-style: chr14-62981233-T-C. GRCh37 (hg19) VCF-style: chr14-63447951-T-C.
Other names: c.581A>G, p.Gln194Arg (NM_172375.3); short protein forms Q194R.
Identifiers: ClinVar variation 1474584 (VCV001474584.7), dbSNP rs2139568664, ClinGen allele CA390104603.

ClinVar aggregate classification (germline): Uncertain significance (1 of 4 stars; one submission).

Conditions:
Early-infantile DEE. Also called: Early infantile epileptic encephalopathy with suppression bursts; Early infantile epileptic encephalopathy; Ohtahara syndrome. Identifiers: Orphanet 1934, MedGen C0393706, MONDO:0800491.

Submission:

Labcorp Genetics (formerly Invitae), Labcorp
Classification: Uncertain significance for Early-infantile DEE. Last evaluated: 2023-11-28. Review status: criteria provided, single submitter. Criteria: Invitae Variant Classification Sherloc (09022015). Collection method: clinical testing. Allele origin: germline.
Comment: This sequence change replaces glutamine, which is neutral and polar, with arginine, which is basic and polar, at codon 194 of the KCNH5 protein (p.Gln194Arg). This variant is not present in population databases (gnomAD no frequency). This variant has not been reported in the literature in individuals affected with KCNH5-related conditions. ClinVar contains an entry for this variant (Variation ID: 1474584). Advanced modeling of protein sequence and biophysical properties (such as structural, functional, and spatial information, amino acid conservation, physicochemical variation, residue mobility, and thermodynamic stability) performed at Invitae indicates that this missense variant is not expected to disrupt KCNH5 protein function with a negative predictive value of 80%. In summary, the available evidence is currently insufficient to determine the role of this variant in disease. Therefore, it has been classified as a Variant of Uncertain Significance.